The following is an entry in ClinVar:

ClinVar aggregate classification (germline): Uncertain significance. Review status: criteria provided, multiple submitters, no conflicts (2 of 4 stars). 3 submissions from 3 submitters: Uncertain significance (3). Last evaluated 2024-03-11.

Conditions:
Inborn genetic diseases. Identifiers: MedGen C0950123, MeSH D030342.
Combined oxidative phosphorylation defect type 17. Also called: Combined oxidative phosphorylation deficiency 17. Identifiers: Orphanet 369913, MedGen C3809526, MONDO:0014190, OMIM 615440.

Allele frequency attached by ClinVar (database versions not stated): TOPMed 0.00003; ESP Exome Variant Server 0.00008.
gnomAD v4.1: 94 of 1,612,726 alleles (0.0058%); highest among the groups gnomAD compares: Non-Finnish European, 0.0071%; no homozygotes.

Submissions (3):

Ambry Genetics
Classification: Uncertain significance for Inborn genetic diseases. Last evaluated: 2024-03-11. Review status: criteria provided, single submitter. Criteria: Ambry Variant Classification Scheme 2023. Collection method: clinical testing. Allele origin: germline.

Labcorp Genetics (formerly Invitae), Labcorp
Classification: Uncertain significance for Combined oxidative phosphorylation defect type 17. Last evaluated: 2022-07-11. Review status: criteria provided, single submitter. Criteria: Invitae Variant Classification Sherloc (09022015). Collection method: clinical testing. Allele origin: germline.
Comment: This sequence change replaces arginine, which is basic and polar, with histidine, which is basic and polar, at codon 404 of the ELAC2 protein (p.Arg404His). This variant is present in population databases (rs200565641, gnomAD 0.007%). This variant has not been reported in the literature in individuals affected with ELAC2-related conditions. ClinVar contains an entry for this variant (Variation ID: 1053520). Algorithms developed to predict the effect of missense changes on protein structure and function output the following: SIFT: "Tolerated"; PolyPhen-2: "Benign"; Align-GVGD: "Class C0". The histidine amino acid residue is found in multiple mammalian species, which suggests that this missense change does not adversely affect protein function. In summary, the available evidence is currently insufficient to determine the role of this variant in disease. Therefore, it has been classified as a Variant of Uncertain Significance.

Breakthrough Genomics
Classification: Uncertain significance. Review status: criteria provided, single submitter. Criteria: ACMG Guidelines, 2015. Collection method: not provided. Allele origin: germline. Inheritance: Autosomal recessive inheritance. Affected: yes.

NM_018127.7(ELAC2):c.1211G>A (p.Arg404His)

Gene: ELAC2 (elaC ribonuclease Z 2; minus strand). Cytogenetic location: 17p12.
Variant type: single nucleotide variant.
Coding change: c.1211G>A on transcript NM_018127.7 (MANE Select); coding-DNA position 1211, G replaced by A.
Protein change: p.Arg404His; replaces arginine 404 with histidine.
Molecular consequence: missense variant.
Genome position (GRCh38, 1-based): chr17:13,002,448, C>T on the plus strand (G>A on the coding strand, the complement: ELAC2 is on the minus strand). VCF-style: chr17-13002448-C-T. GRCh37 (hg19) VCF-style: chr17-12905765-C-T.
Other names: c.1091G>A, p.Arg364His (NM_001165962.2); c.1211G>A, p.Arg404His (NM_173717.2); c.1211G>A (NM_018127.6); short protein forms R364H, R404H.
Identifiers: ClinVar variation 1053520 (VCV001053520.5), dbSNP rs200565641, ClinGen allele CA8401324.